The following is an entry in ClinVar:

NM_001365951.3(KIF1B):c.2243A>G (p.Gln748Arg)

Gene: KIF1B (kinesin family member 1B; plus strand). Cytogenetic location: 1p36.22.
Variant type: single nucleotide variant.
Coding change: c.2243A>G on transcript NM_001365951.3 (MANE Select); coding-DNA position 2243, A replaced by G.
Protein change: p.Gln748Arg; replaces glutamine 748 with arginine.
Molecular consequence: missense variant.
Genome position (GRCh38, 1-based): chr1:10,321,742, A>G. VCF-style: chr1-10321742-A-G. GRCh37 (hg19) VCF-style: chr1-10381800-A-G.
Other names: c.2243A>G, p.Gln748Arg (NM_001365952.1); c.2105A>G, p.Gln702Arg (NM_015074.3); short protein forms Q748R, Q702R.
Identifiers: ClinVar variation 4043136 (VCV004043136.1).

ClinVar aggregate classification (germline): Uncertain significance (1 of 4 stars; one submission).

Submission:

Ambry Genetics
Classification: Uncertain significance. Last evaluated: 2025-05-17. Review status: criteria provided, single submitter. Criteria: Ambry Variant Classification Scheme 2023. Collection method: clinical testing. Allele origin: germline.
Comment: The p.Q702R variant (also known as c.2105A>G), located in coding exon 21 of the KIF1B gene, results from an A to G substitution at nucleotide position 2105. The glutamine at codon 702 is replaced by arginine, an amino acid with highly similar properties. This amino acid position is conserved. In addition, this alteration is predicted to be tolerated by in silico analysis. Based on the available evidence, the clinical significance of this variant remains unclear.